The following is an entry in ClinVar:

NM_000284.4(PDHA1):c.98A>T (p.Asp33Val)

Gene: PDHA1 (pyruvate dehydrogenase E1 subunit alpha 1; plus strand). Cytogenetic location: Xp22.12.
Variant type: single nucleotide variant.
Coding change: c.98A>T on transcript NM_000284.4 (MANE Select); coding-DNA position 98, A replaced by T.
Protein change: p.Asp33Val; replaces aspartic acid 33 with valine.
Molecular consequence: missense variant.
Genome position (GRCh38, 1-based): chrX:19,349,352, A>T. VCF-style: chrX-19349352-A-T. GRCh37 (hg19) VCF-style: chrX-19367470-A-T.
Other names: c.98A>T, p.Asp33Val (NM_001173456.2, NM_001173455.2); c.212A>T, p.Asp71Val (NM_001173454.2); short protein forms D33V, D71V.
Identifiers: ClinVar variation 1708453 (VCV001708453.4), dbSNP rs752678074, ClinGen allele CA10362983.

ClinVar aggregate classification (germline): Conflicting classifications of pathogenicity. Review status: criteria provided, conflicting classifications (1 of 4 stars). 2 submissions from 2 submitters: Uncertain significance (1); Likely benign (1). Last evaluated 2022-09-19.

Conditions:
Pyruvate dehydrogenase E1-alpha deficiency (PDHAD). Also called: ATAXIA, INTERMITTENT, WITH PYRUVATE DEHYDROGENASE DEFICIENCY; ATAXIA WITH LACTIC ACIDOSIS I; ATAXIA, INTERMITTENT, WITH ABNORMAL PYRUVATE METABOLISM; Ataxia, intermittent, with pyruvate dehydrogenase, or decarboxylase, deficiency. Identifiers: Orphanet 79243, MedGen C1839413, MONDO:0010717, OMIM 312170.

Allele frequency attached by ClinVar (database versions not stated): ExAC 0.00001; gnomAD exomes 0.00001; TOPMed 0.00003; gnomAD 0.00004.
gnomAD v4.1: 16 of 1,174,914 alleles (0.0014%); highest among the groups gnomAD compares: African/African-American, 0.0018%; no homozygotes.

Submissions (2):

Labcorp Genetics (formerly Invitae), Labcorp
Classification: Uncertain significance for Pyruvate dehydrogenase E1-alpha deficiency. Last evaluated: 2022-09-19. Review status: criteria provided, single submitter. Criteria: Invitae Variant Classification Sherloc (09022015). Collection method: clinical testing. Allele origin: germline.
Comment: This sequence change replaces aspartic acid, which is acidic and polar, with valine, which is neutral and non-polar, at codon 33 of the PDHA1 protein (p.Asp33Val). This variant is present in population databases (rs752678074, gnomAD 0.005%), including at least one homozygous and/or hemizygous individual. This variant has not been reported in the literature in individuals affected with PDHA1-related conditions. Advanced modeling of protein sequence and biophysical properties (such as structural, functional, and spatial information, amino acid conservation, physicochemical variation, residue mobility, and thermodynamic stability) has been performed at Invitae for this missense variant, however the output from this modeling did not meet the statistical confidence thresholds required to predict the impact of this variant on PDHA1 protein function. In summary, the available evidence is currently insufficient to determine the role of this variant in disease. Therefore, it has been classified as a Variant of Uncertain Significance.

Centre of Medical Genetics, University Hospital Muenster
Classification: Likely benign. Last evaluated: 2021-12-08. Review status: criteria provided, single submitter. Criteria: ACMG Guidelines, 2015. Collection method: clinical testing. Allele origin: unknown. Affected: yes. Observed: 1 variant allele, 1 heterozygote.
Comment: ACMG categories: PM1,PM2,PP3,BS2,BP1